The following is an entry in ClinVar:

ClinVar aggregate classification (germline): Uncertain significance. Review status: criteria provided, multiple submitters, no conflicts (2 of 4 stars). 2 submissions from 2 submitters: Uncertain significance (2). Last evaluated 2026-06-30.

Conditions:
Cardiovascular phenotype. Identifiers: MedGen CN230736.
Hereditary cancer-predisposing syndrome. Also called: Hereditary Cancer Syndrome; Hereditary neoplastic syndrome; Neoplastic Syndromes, Hereditary; Tumor predisposition. Identifiers: Orphanet 140162, MedGen C0027672, MeSH D009386, MONDO:0015356.

Submissions (2):

Ambry Genetics
Classification: Uncertain significance for Cardiovascular phenotype; Hereditary cancer-predisposing syndrome. Last evaluated: 2026-06-30. Review status: criteria provided, single submitter. Criteria: Ambry Variant Classification Scheme 2023. Collection method: clinical testing. Allele origin: germline.
Comment: The c.2158_2160delTTC variant (also known as p.F720del) is located in coding exon 18 of the LZTR1 gene. This variant results from an in-frame TTC deletion at nucleotide positions 2158 to 2160. This results in the in-frame deletion of a phenylalanine at codon 720. This amino acid position is highly conserved in available vertebrate species. In addition, this variant is predicted to be deleterious by in silico analysis (Choi Y et al. PLoS ONE. 2012; 7(10):e46688). Based on the available evidence, the clinical significance of this variant remains unclear.

ARUP Laboratories, Molecular Genetics and Genomics, ARUP Laboratories
Classification: Uncertain significance. Review status: criteria provided, single submitter. Criteria: ARUP Molecular Germline Variant Investigation Process 2024. Collection method: clinical testing. Allele origin: germline.

NM_006767.4(LZTR1):c.2158_2160del (p.Phe720del)

Gene: LZTR1 (leucine zipper like post translational regulator 1; plus strand). Cytogenetic location: 22q11.21.
Variant type: Deletion.
Coding change: c.2158_2160del on transcript NM_006767.4 (MANE Select); coding-DNA positions 2158 to 2160, 3 bases deleted (TTC; older notation c.2158_2160delTTC).
Protein change: p.Phe720del; deletes phenylalanine 720.
Molecular consequence: inframe deletion.
Genome position (GRCh38, 1-based): chr22:20,996,051-20,996,053, TTC deleted; deleting any 3 consecutive bases within chr22:20,996,050-20,996,053 gives the same sequence; the c. name uses the placement nearest the transcript's 3' end. VCF-style (leftmost placement, unchanged base first): chr22-20996049-CCTT-C. GRCh37 (hg19) VCF-style: chr22-21350338-CCTT-C.
Other names: c.2158_2160delTTC (NM_006767.3); short protein forms F720del.
Identifiers: ClinVar variation 4686069 (VCV004686069.2).